The following is an entry in ClinVar:

NM_003072.5(SMARCA4):c.356-18G>T

Gene: SMARCA4 (SWI/SNF related BAF chromatin remodeling complex subunit ATPase 4; plus strand). Cytogenetic location: 19p13.2.
Variant type: single nucleotide variant.
Coding change: c.356-18G>T on transcript NM_003072.5 (MANE Select); 18 bases into the intron before coding-DNA position 356, G replaced by T.
Molecular consequence: intron variant.
Genome position (GRCh38, 1-based): chr19:10,986,171, G>T. VCF-style: chr19-10986171-G-T. GRCh37 (hg19) VCF-style: chr19-11096847-G-T.
Other names: c.356-18G>T (NM_001128844.3, NM_001128849.3, NM_001128847.4 and 6 more transcripts).
Identifiers: ClinVar variation 2809868 (VCV002809868.4), dbSNP rs2145769845, ClinGen allele CA2735592367.

ClinVar aggregate classification (germline): Likely benign. Review status: criteria provided, multiple submitters, no conflicts (2 of 4 stars). 2 submissions from 2 submitters: Likely benign (2). Last evaluated 2026-07-06.

Conditions:
Rhabdoid tumor predisposition syndrome 2 (RTPS2). Identifiers: Orphanet 231108, Orphanet 69077, MedGen C2750074, MONDO:0013224, OMIM 613325.

Submissions (2):

Myriad Genetics, Inc.
Classification: Likely benign for Rhabdoid tumor predisposition syndrome 2. Last evaluated: 2026-07-06. Review status: criteria provided, single submitter. Criteria: Myriad Autosomal Dominant, Autosomal Recessive and X-Linked Classification Criteria (2023). Collection method: clinical testing. Allele origin: unknown.
Comment: This variant is considered likely benign. This variant is intronic and is not expected to impact mRNA splicing.

Labcorp Genetics (formerly Invitae), Labcorp
Classification: Likely benign for Rhabdoid tumor predisposition syndrome 2. Last evaluated: 2024-10-22. Review status: criteria provided, single submitter. Criteria: Invitae Variant Classification Sherloc (09022015). Collection method: clinical testing. Allele origin: germline.